The following is an entry in ClinVar:

ClinVar aggregate classification (germline): Uncertain significance (1 of 4 stars; one submission).

Conditions:
DICER1-related tumor predisposition. Also called: DICER1-related pleuropulmonary blastoma cancer predisposition syndrome; DICER1 syndrome. Identifiers: Orphanet 284343, MedGen C3839822, MONDO:0100216.

Submission:

Labcorp Genetics (formerly Invitae), Labcorp
Classification: Uncertain significance for DICER1-related tumor predisposition. Last evaluated: 2021-09-21. Review status: criteria provided, single submitter. Criteria: Invitae Variant Classification Sherloc (09022015). Collection method: clinical testing. Allele origin: germline.
Comment: This sequence change replaces phenylalanine with cysteine at codon 1677 of the DICER1 protein (p.Phe1677Cys). The phenylalanine residue is highly conserved and there is a large physicochemical difference between phenylalanine and cysteine. This variant is not present in population databases (ExAC no frequency). This variant has not been reported in the literature in individuals affected with DICER1-related conditions. Algorithms developed to predict the effect of missense changes on protein structure and function (SIFT, PolyPhen-2, Align-GVGD) all suggest that this variant is likely to be disruptive. In summary, the available evidence is currently insufficient to determine the role of this variant in disease. Therefore, it has been classified as a Variant of Uncertain Significance.

NM_177438.3(DICER1):c.5030T>G (p.Phe1677Cys)

Gene: DICER1 (dicer 1, ribonuclease III; minus strand). Cytogenetic location: 14q32.13.
Variant type: single nucleotide variant.
Coding change: c.5030T>G on transcript NM_177438.3 (MANE Select); coding-DNA position 5030, T replaced by G.
Protein change: p.Phe1677Cys; replaces phenylalanine 1677 with cysteine.
Molecular consequence: missense variant.
Genome position (GRCh38, 1-based): chr14:95,095,890, A>C on the plus strand (T>G on the coding strand, the complement: DICER1 is on the minus strand). VCF-style: chr14-95095890-A-C. GRCh37 (hg19) VCF-style: chr14-95562227-A-C.
Other names: c.5030T>G, p.Phe1677Cys (NM_001291628.2, NM_030621.4, NM_001195573.1 and 1 more transcripts); short protein forms F1677C.
Identifiers: ClinVar variation 1439292 (VCV001439292.7), dbSNP rs2139838318, ClinGen allele CA390866056.